The following is an entry in ClinVar:

ClinVar aggregate classification (germline): Conflicting classifications of pathogenicity. Review status: criteria provided, conflicting classifications (1 of 4 stars). 3 submissions from 3 submitters: Uncertain significance (2); Likely benign (1). Last evaluated 2026-08-14.

Conditions:
Hereditary nonpolyposis colorectal neoplasms. Identifiers: MedGen C0009405, MeSH D003123.
Hereditary cancer-predisposing syndrome. Also called: Tumor predisposition; Neoplastic Syndromes, Hereditary; Hereditary Cancer Syndrome; Hereditary neoplastic syndrome. Identifiers: Orphanet 140162, MedGen C0027672, MeSH D009386, MONDO:0015356.

Allele frequency attached by ClinVar (database versions not stated): gnomAD exomes below 0.00001; TOPMed below 0.00001.
gnomAD v4.1: 5 of 1,611,918 alleles (0.00031%); highest among the groups gnomAD compares: South Asian, 0.0011%; no homozygotes.

Submissions (3):

Ambry Genetics
Classification: Likely benign for Hereditary cancer-predisposing syndrome. Last evaluated: 2026-08-14. Review status: criteria provided, single submitter. Criteria: Ambry Variant Classification Scheme 2023. Collection method: clinical testing. Allele origin: germline.

Labcorp Genetics (formerly Invitae), Labcorp
Classification: Uncertain significance for Hereditary nonpolyposis colorectal neoplasms. Last evaluated: 2024-04-04. Review status: criteria provided, single submitter. Criteria: Invitae Variant Classification Sherloc (09022015). Collection method: clinical testing. Allele origin: germline.
Comment: This sequence change replaces asparagine, which is neutral and polar, with serine, which is neutral and polar, at codon 140 of the PMS2 protein (p.Asn140Ser). This variant is not present in population databases (gnomAD no frequency). This variant has not been reported in the literature in individuals affected with PMS2-related conditions. ClinVar contains an entry for this variant (Variation ID: 234590). Advanced modeling of protein sequence and biophysical properties (such as structural, functional, and spatial information, amino acid conservation, physicochemical variation, residue mobility, and thermodynamic stability) performed at Invitae indicates that this missense variant is not expected to disrupt PMS2 protein function with a negative predictive value of 80%. In summary, the available evidence is currently insufficient to determine the role of this variant in disease. Therefore, it has been classified as a Variant of Uncertain Significance.

GeneDx
Classification: Uncertain significance. Last evaluated: 2015-11-02. Review status: criteria provided, single submitter. Criteria: GeneDx Variant Classification (06012015). Collection method: clinical testing. Allele origin: germline. Affected: yes.
Comment: This variant is denoted PMS2 c.419A>G at the cDNA level, p.Asn140Ser (N140S) at the protein level, and results in the change of an Asparagine to a Serine (AAT>AGT). This variant has not, to our knowledge, been published in the literature as pathogenic or benign. PMS2 Asn140Ser was not observed in approximately 6,500 individuals of European and African American ancestry in the NHLBI Exome Sequencing Project, suggesting it is not a common benign variant in these populations. Since Asparagine and Serine share similar properties, this is considered a conservative amino acid substitution. PMS2 Asn140Ser occurs at a position that is not conserved and is located within the ATPase domain (Fukui 2011). In silico analyses are inconsistent regarding the effect this variant may have on protein structure and function. Based on currently available evidence, it is unclear whether PMS2 Asn140Ser is a pathogenic or benign variant. We consider it to be a variant of uncertain significance.

NM_000535.7(PMS2):c.419A>G (p.Asn140Ser)

Gene: PMS2 (PMS1 homolog 2, mismatch repair system component; minus strand). Cytogenetic location: 7p22.1.
Variant type: single nucleotide variant.
Coding change: c.419A>G on transcript NM_000535.7 (MANE Select); coding-DNA position 419, A replaced by G.
Protein change: p.Asn140Ser; replaces asparagine 140 with serine.
Molecular consequence: missense variant. On other transcripts: 5 prime UTR variant (2), non-coding transcript variant (1).
Genome position (GRCh38, 1-based): chr7:6,002,571, T>C on the plus strand (A>G on the coding strand, the complement: PMS2 is on the minus strand). VCF-style: chr7-6002571-T-C. GRCh37 (hg19) VCF-style: chr7-6042202-T-C.
Other names: c.14A>G, p.Asn5Ser (NM_001322003.2, NM_001322004.2, NM_001322005.2 and 3 more transcripts); c.419A>G, p.Asn140Ser (NM_001322006.2, NM_001322014.2); c.101A>G, p.Asn34Ser (NM_001322007.2, NM_001322008.2); c.-466A>G (NM_001322011.2, NM_001322012.2); c.110A>G, p.Asn37Ser (NM_001322015.2); short protein forms N140S, N34S, N37S, N5S.
Identifiers: ClinVar variation 234590 (VCV000234590.15), dbSNP rs876661103, ClinGen allele CA10577351.